The following is an entry in ClinVar:

NM_016148.5(SHANK1):c.1507G>A (p.Gly503Arg)

Gene: SHANK1 (SH3 and multiple ankyrin repeat domains 1; minus strand). Cytogenetic location: 19q13.33.
Variant type: single nucleotide variant.
Coding change: c.1507G>A on transcript NM_016148.5 (MANE Select); coding-DNA position 1507, G replaced by A.
Protein change: p.Gly503Arg; replaces glycine 503 with arginine.
Molecular consequence: missense variant.
Genome position (GRCh38, 1-based): chr19:50,703,546, C>T on the plus strand (G>A on the coding strand, the complement: SHANK1 is on the minus strand). VCF-style: chr19-50703546-C-T. GRCh37 (hg19) VCF-style: chr19-51206803-C-T.
Other names: short protein forms G503R.
Identifiers: ClinVar variation 3029088 (VCV003029088.2), dbSNP rs1408303158, ClinGen allele CA407035081.

ClinVar aggregate classification (germline): Uncertain significance (0 of 4 stars; one submission).

Conditions:
SHANK1-related disorder. Also called: SHANK1-related condition.

Allele frequency attached by ClinVar (database versions not stated): gnomAD exomes below 0.00001.
gnomAD v4.1: 2 of 1,552,144 alleles (0.00013%); highest among the groups gnomAD compares: Non-Finnish European, 0.00017%; no homozygotes.

Submission:

PreventionGenetics, part of Exact Sciences
Classification: Uncertain significance for SHANK1-related condition. Last evaluated: 2024-02-08. Review status: no assertion criteria provided. Collection method: clinical testing. Allele origin: germline.
Comment: The SHANK1 c.1507G>A variant is predicted to result in the amino acid substitution p.Gly503Arg. To our knowledge, this variant has not been reported in the literature or in a large population database, indicating this variant is rare. At this time, the clinical significance of this variant is uncertain due to the absence of conclusive functional and genetic evidence.